The following is an entry in ClinVar:

ClinVar aggregate classification (germline): Pathogenic (1 of 4 stars; one submission).

Conditions:
Adenylosuccinate lyase deficiency (ADSLD). Also called: ADSL DEFICIENCY. Identifiers: Orphanet 46, MedGen C0268126, MONDO:0007068, OMIM 103050.

Submission:

Labcorp Genetics (formerly Invitae), Labcorp
Classification: Pathogenic for Adenylosuccinate lyase deficiency. Last evaluated: 2023-04-10. Review status: criteria provided, single submitter. Criteria: Invitae Variant Classification Sherloc (09022015). Collection method: clinical testing. Allele origin: germline.
Comment: This sequence change creates a premature translational stop signal (p.Arg125Glufs*14) in the ADSL gene. It is expected to result in an absent or disrupted protein product. Loss-of-function variants in ADSL are known to be pathogenic (PMID: 10888601, 20177786). This variant is not present in population databases (gnomAD no frequency). This variant has not been reported in the literature in individuals affected with ADSL-related conditions. For these reasons, this variant has been classified as Pathogenic.

Literature cited by the submitters: PubMed 10888601; PubMed 20177786.

NM_000026.4(ADSL):c.372del (p.Arg125fs)

Gene: ADSL (adenylosuccinate lyase; plus strand). Cytogenetic location: 22q13.1.
Variant type: Deletion.
Coding change: c.372del on transcript NM_000026.4 (MANE Select); coding-DNA position 372, one base deleted (T; older notation c.372delT).
Protein change: p.Arg125fs; shifts the reading frame from arginine 125.
Molecular consequence: frameshift variant. On other transcripts: non-coding transcript variant (1), intron variant (1).
Genome position (GRCh38, 1-based): chr22:40,353,087, T deleted; the last of 2 consecutive T bases (chr22:40,353,086-40,353,087); deleting either gives the same sequence. VCF-style (leftmost placement, unchanged base first): chr22-40353085-CT-C. GRCh37 (hg19) VCF-style: chr22-40749089-CT-C.
Other names: c.372del, p.Arg125fs (NM_001123378.3, NM_001363840.3, NM_001410812.1 and 1 more transcripts); c.180del, p.Arg61fs (NM_001317923.2); c.358-1161del (NM_001410814.1); short protein forms R61fs, R125fs.
Identifiers: ClinVar variation 2854848 (VCV002854848.3), dbSNP rs2518096229, ClinGen allele CA2656866821.